The following is an entry in ClinVar:

NM_001145252.3(CFP):c.29G>A (p.Arg10Gln)

Gene: CFP (complement factor properdin; minus strand). Cytogenetic location: Xp11.23.
Variant type: single nucleotide variant.
Coding change: c.29G>A on transcript NM_001145252.3 (MANE Select); coding-DNA position 29, G replaced by A.
Protein change: p.Arg10Gln; replaces arginine 10 with glutamine.
Molecular consequence: missense variant.
Genome position (GRCh38, 1-based): chrX:47,629,816, C>T on the plus strand (G>A on the coding strand, the complement: CFP is on the minus strand). VCF-style: chrX-47629816-C-T. GRCh37 (hg19) VCF-style: chrX-47489215-C-T.
Other names: c.29G>A, p.Arg10Gln (NM_002621.2); short protein forms R10Q.
Identifiers: ClinVar variation 2889293 (VCV002889293.3), dbSNP rs888034371, ClinGen allele CA329072483.

ClinVar aggregate classification (germline): Uncertain significance (1 of 4 stars; one submission).

Allele frequency attached by ClinVar (database versions not stated): gnomAD exomes below 0.00001; gnomAD 0.00003; TOPMed 0.00003.
gnomAD v4.1: 10 of 1,165,843 alleles (0.00086%); highest among the groups gnomAD compares: African/African-American, 0.0072%; no homozygotes.

Submission:

Labcorp Genetics (formerly Invitae), Labcorp
Classification: Uncertain significance. Last evaluated: 2025-04-13. Review status: criteria provided, single submitter. Criteria: Invitae Variant Classification Sherloc (09022015). Collection method: clinical testing. Allele origin: germline.
Comment: This sequence change replaces arginine, which is basic and polar, with glutamine, which is neutral and polar, at codon 10 of the CFP protein (p.Arg10Gln). The frequency data for this variant in the population databases is considered unreliable, as metrics indicate poor data quality at this position in the gnomAD database. This variant has not been reported in the literature in individuals affected with CFP-related conditions. ClinVar contains an entry for this variant (Variation ID: 2889293). An algorithm developed to predict the effect of missense changes on protein structure and function outputs the following: PolyPhen-2: "Benign". The glutamine amino acid residue is found in multiple mammalian species, which suggests that this missense change does not adversely affect protein function. In summary, the available evidence is currently insufficient to determine the role of this variant in disease. Therefore, it has been classified as a Variant of Uncertain Significance.